The following is an entry in ClinVar:

ClinVar aggregate classification (germline): Uncertain significance (1 of 4 stars; one submission).

Allele frequency attached by ClinVar (database versions not stated): gnomAD exomes 0.00001; gnomAD 0.00001.
gnomAD v4.1: 15 of 1,613,934 alleles (0.00093%); highest among the groups gnomAD compares: South Asian, 0.014%; no homozygotes.

Submission:

Labcorp Genetics (formerly Invitae), Labcorp
Classification: Uncertain significance. Last evaluated: 2025-02-10. Review status: criteria provided, single submitter. Criteria: Invitae Variant Classification Sherloc (09022015). Collection method: clinical testing. Allele origin: germline.
Comment: This sequence change replaces alanine, which is neutral and non-polar, with valine, which is neutral and non-polar, at codon 700 of the TRAP1 protein (p.Ala700Val). The frequency data for this variant in the population databases is considered unreliable, as metrics indicate poor data quality at this position in the gnomAD database. This variant has not been reported in the literature in individuals affected with TRAP1-related conditions. ClinVar contains an entry for this variant (Variation ID: 2979460). An algorithm developed to predict the effect of missense changes on protein structure and function outputs the following: PolyPhen-2: "Benign". The valine amino acid residue is found in multiple mammalian species, which suggests that this missense change does not adversely affect protein function. In summary, the available evidence is currently insufficient to determine the role of this variant in disease. Therefore, it has been classified as a Variant of Uncertain Significance.

NM_016292.3(TRAP1):c.2099C>T (p.Ala700Val)

Genes: DNASE1 (deoxyribonuclease 1; plus strand), TRAP1 (TNF receptor associated protein 1; minus strand). Cytogenetic location: 16p13.3.
Variant type: single nucleotide variant.
Coding change: c.2099C>T on transcript NM_016292.3 (MANE Select); coding-DNA position 2099, C replaced by T.
Protein change: p.Ala700Val; replaces alanine 700 with valine.
Molecular consequence: missense variant. On other transcripts: intron variant (1).
Genome position (GRCh38, 1-based): chr16:3,658,145, G>A on the plus strand (C>T on the coding strand, the complement: TRAP1 is on the minus strand). VCF-style: chr16-3658145-G-A. GRCh37 (hg19) VCF-style: chr16-3708146-G-A.
Other names: c.1940C>T, p.Ala647Val (NM_001272049.2); c.*21+278G>A (NM_001387140.1); short protein forms A647V, A700V.
Identifiers: ClinVar variation 2979460 (VCV002979460.3), dbSNP rs754659415, ClinGen allele CA7867612.